The following is an entry in ClinVar:

NM_001006658.3(CR2):c.2035T>G (p.Phe679Val)

Gene: CR2 (complement C3d receptor 2; plus strand). Cytogenetic location: 1q32.2.
Variant type: single nucleotide variant.
Coding change: c.2035T>G on transcript NM_001006658.3 (MANE Select); coding-DNA position 2035, T replaced by G.
Protein change: p.Phe679Val; replaces phenylalanine 679 with valine.
Molecular consequence: missense variant. On other transcripts: intron variant (1).
Genome position (GRCh38, 1-based): chr1:207,473,601, T>G. VCF-style: chr1-207473601-T-G. GRCh37 (hg19) VCF-style: chr1-207646946-T-G.
Other names: c.1979-200T>G (NM_001877.5); short protein forms F679V.
Identifiers: ClinVar variation 1898765 (VCV001898765.2), dbSNP rs373332575, ClinGen allele CA1368867.

ClinVar aggregate classification (germline): Uncertain significance (1 of 4 stars; one submission).

Conditions:
Immunodeficiency, common variable, 7. Identifiers: Orphanet 1572, Orphanet 696894, MedGen C3542922, MONDO:0013862, OMIM 614699.

Allele frequency attached by ClinVar (database versions not stated): gnomAD 0.00001; gnomAD exomes 0.00002; ESP Exome Variant Server 0.00008; TOPMed 0.00002; ExAC 0.00002.
gnomAD v4.1: 29 of 1,613,874 alleles (0.0018%); highest among the groups gnomAD compares: Non-Finnish European, 0.0024%; no homozygotes.

Submission:

Labcorp Genetics (formerly Invitae), Labcorp
Classification: Uncertain significance for Immunodeficiency, common variable, 7. Last evaluated: 2022-08-21. Review status: criteria provided, single submitter. Criteria: Invitae Variant Classification Sherloc (09022015). Collection method: clinical testing. Allele origin: germline.
Comment: This sequence change replaces phenylalanine, which is neutral and non-polar, with valine, which is neutral and non-polar, at codon 679 of the CR2 protein (p.Phe679Val). This variant is present in population databases (rs373332575, gnomAD 0.003%). This variant has not been reported in the literature in individuals affected with CR2-related conditions. Algorithms developed to predict the effect of missense changes on protein structure and function (SIFT, PolyPhen-2, Align-GVGD) all suggest that this variant is likely to be tolerated. In summary, the available evidence is currently insufficient to determine the role of this variant in disease. Therefore, it has been classified as a Variant of Uncertain Significance.